The following is an entry in ClinVar:

ClinVar aggregate classification (germline): Uncertain significance (1 of 4 stars; one submission).

Conditions:
Malignant hyperthermia, susceptibility to, 1 (MHS1). Also called: Anesthesia related hyperthermia; Malignant hyperpyrexia; Fulminating hyperpyrexia; Pharmacogenic myopathy; RYR1-Related Malignant Hyperthermia Susceptibility; Malignant hyperthermia suceptibility 1. Identifiers: Orphanet 423, MedGen C2930980, MONDO:0007783, OMIM 145600.

Allele frequency attached by ClinVar (database versions not stated): TOPMed 0.00001.

Submission:

All of Us Research Program, National Institutes of Health
Classification: Uncertain significance for Malignant hyperthermia, susceptibility to, 1. Last evaluated: 2023-12-01. Review status: criteria provided, single submitter. Criteria: ACMG Guidelines, 2015. Collection method: clinical testing. Allele origin: germline. Inheritance: Autosomal dominant inheritance. Observed: 1 variant allele, 1 heterozygote.
Comment: This study involves interpretation of variants in research participants for the purpose of population health screening. Participant phenotype was not available at the time of variant classification. Additional details can be found in publication PMID: 35346344, PMCID: PMC8962531

NM_000540.3(RYR1):c.15047A>G (p.Gln5016Arg)

Gene: RYR1 (ryanodine receptor 1; plus strand). Cytogenetic location: 19q13.2.
Variant type: single nucleotide variant.
Coding change: c.15047A>G on transcript NM_000540.3 (MANE Select); coding-DNA position 15047, A replaced by G.
Protein change: p.Gln5016Arg; replaces glutamine 5016 with arginine.
Molecular consequence: missense variant.
Genome position (GRCh38, 1-based): chr19:38,587,350, A>G. VCF-style: chr19-38587350-A-G. GRCh37 (hg19) VCF-style: chr19-39077990-A-G.
Other names: c.15032A>G, p.Gln5011Arg (NM_001042723.2); short protein forms Q5011R, Q5016R.
Identifiers: ClinVar variation 3074028 (VCV003074028.1), dbSNP rs1310013603, ClinGen allele CA405694113.
Genomic context (GRCh38, chr19:38,587,350, plus strand): 5'-TGTGACCAATGAACTCTTTCTATCCCCAATCCTAGGAGTCTTATGTCTGGAAGATGTACC[A>G]AGAGAGATGTTGGGATTTCTTCCCAGCTGGTGATTGTTTCCGTAAGCAGTATGAGGACCA-3'
Protein context (NP_000531.2, residues 5006-5026): GQESYVWKMY[Gln5016Arg]ERCWDFFPAG